The following is an entry in ClinVar:

NM_005908.4(MANBA):c.617G>A (p.Arg206Lys)

Gene: MANBA (mannosidase beta; minus strand). Cytogenetic location: 4q24.
Variant type: single nucleotide variant.
Coding change: c.617G>A on transcript NM_005908.4 (MANE Select); coding-DNA position 617, G replaced by A.
Protein change: p.Arg206Lys; replaces arginine 206 with lysine.
Molecular consequence: missense variant.
Genome position (GRCh38, 1-based): chr4:102,714,494, C>T on the plus strand (G>A on the coding strand, the complement: MANBA is on the minus strand). VCF-style: chr4-102714494-C-T. GRCh37 (hg19) VCF-style: chr4-103635651-C-T.
Other names: short protein forms R206K.
Identifiers: ClinVar variation 1477965 (VCV001477965.5), dbSNP rs756414140, ClinGen allele CA3027166.

ClinVar aggregate classification (germline): Uncertain significance (1 of 4 stars; one submission).

Conditions:
Beta-D-mannosidosis (MANSB). Also called: Beta-Mannosidosis; MANNOSIDOSIS, BETA A, LYSOSOMAL; BETA-MANNOSIDASE DEFICIENCY; LYSOSOMAL BETA-MANNOSIDASE DEFICIENCY. Identifiers: Orphanet 118, MedGen C4048196, MONDO:0009562, OMIM 248510.

Allele frequency attached by ClinVar (database versions not stated): ExAC 0.00002; gnomAD 0.00001; gnomAD exomes 0.00002 and 0.00014; TOPMed 0.00004.

Submission:

Labcorp Genetics (formerly Invitae), Labcorp
Classification: Uncertain significance for Beta-D-mannosidosis. Last evaluated: 2021-09-24. Review status: criteria provided, single submitter. Criteria: Invitae Variant Classification Sherloc (09022015). Collection method: clinical testing. Allele origin: germline.
Comment: This sequence change replaces arginine with lysine at codon 206 of the MANBA protein (p.Arg206Lys). The arginine residue is moderately conserved and there is a small physicochemical difference between arginine and lysine. This variant is present in population databases (rs756414140, ExAC 0.003%). This variant has not been reported in the literature in individuals with MANBA-related conditions. Algorithms developed to predict the effect of missense changes on protein structure and function (SIFT, PolyPhen-2, Align-GVGD) all suggest that this variant is likely to be tolerated, but these predictions have not been confirmed by published functional studies and their clinical significance is uncertain. In summary, the available evidence is currently insufficient to determine the role of this variant in disease. Therefore, it has been classified as a Variant of Uncertain Significance.